The following continues an entry in ClinVar:

NM_000053.4(ATP7B):c.122A>G (p.Asn41Ser)

Gene: ATP7B. ClinVar aggregate classification (germline): Pathogenic/Likely pathogenic. Pathogenic (13); Likely pathogenic (14).

Submissions 23 to 29 of 29:

Genetic Services Laboratory, University of Chicago
Classification: Likely pathogenic for Wilson disease. Last evaluated: 2016-07-01. Review status: criteria provided, single submitter. Criteria: ACMG Guidelines, 2015. Collection method: clinical testing. Allele origin: germline. Affected: yes.

Eurofins Ntd Llc (ga)
Classification: Likely pathogenic. Last evaluated: 2016-04-28. Review status: criteria provided, single submitter. Criteria: EGL Classification Definitions 2015. Collection method: clinical testing. Allele origin: germline. Observed: 1 variant allele, 1 heterozygote.

Clinical Genetics Service, Universitary Hospital 12 de Octubre
Classification: Pathogenic for Wilson disease. Review status: criteria provided, single submitter. Criteria: ACMG Guidelines, 2015. Collection method: clinical testing. Allele origin: germline. Affected: yes.

Juno Genomics, Hangzhou Juno Genomics, Inc
Classification: Pathogenic for Wilson disease. Review status: criteria provided, single submitter. Criteria: ACMG Guidelines, 2015. Collection method: clinical testing. Allele origin: germline.
Comment: Absent from controls (or at extremely low frequency if recessive) in Genome Aggregation Database.;For recessive disorders, detected in trans with a pathogenic variant.;Patient's phenotype or family history is highly specific for a disease with a single genetic etiology.;Well-established in vitro or in vivo functional studies supportive of a damaging effect on the gene or gene product.

Kariminejad - Najmabadi Pathology & Genetics Center
Classification: Likely pathogenic for Wilson disease. Review status: criteria provided, single submitter. Criteria: ACMG Guidelines, 2015. Collection method: clinical testing. Allele origin: germline. Affected: no.

Zotz-Klimas Genetics Lab, MVZ Zotz Klimas
Classification: Likely pathogenic for Wilson disease. Last evaluated: 2023-10-09. Review status: no assertion criteria provided. Collection method: clinical testing. Allele origin: germline. Affected: yes. Not counted in ClinVar's aggregate classification.

Laboratory for Molecular Medicine, Mass General Brigham Personalized Medicine
Classification: Uncertain significance for Wilson disease. Last evaluated: 2021-10-08. Review status: flagged submission. Criteria: ACMG Guidelines, 2015. Collection method: clinical testing. Allele origin: germline. Inheritance: Autosomal recessive inheritance. Not counted in ClinVar's aggregate classification.
Comment: The p.Asn41Ser variant in ATP7B has been reported in at least 3 heterozygous individuals and at least 2 compound heterozygous individuals with Wilson disease; though, 1 of these compound heterozygous individuals also carried a variant of uncertain significance in cis with the p.Asn41Ser (Deguti 2004 PMID: 15024742, Bost 2012 PMID: 22677543, Coffey 2013 PMID: 23518715, Zhao 2019 PMID: 30275481). It has also been identified in 0.047% (61/128586) of European chromosomes by gnomAD. Computational prediction tools and conservation analyses suggest that this variant may impact the protein, though this information is not predictive enough to determine pathogenicity. In vitro functional studies support an impact on protein function (Braiterman 2009 PMID: 19033537). In summary, while there is some suspicion for a pathogenic role, the clinical significance of this variant is uncertain. ACMG/AMP Criteria applied: PM3, PP3, PS3_Supporting.
ClinVar note: Reason: Outlier claim with insufficient supporting evidence

Literature cited by the submitters: PubMed 15024742 (cited by 11 submitters); PubMed 22677543 (cited by 7 submitters); PubMed 23518715 (cited by 9 submitters); PubMed 19033537 (cited by 10 submitters); PubMed 21454443 (cited by 4 submitters); PubMed 22820477 (cited by 6 submitters); PubMed 37660282 (cited by 3 submitters); PubMed 32770663 (cited by 4 submitters); PubMed 33640437 (cited by 5 submitters); PubMed 36096368 (cited by 4 submitters); PubMed 38032054 (cited by 3 submitters); PubMed 17919502 (cited by Ambry Genetics and AiLife Diagnostics); PubMed 22106832 (cited by Ambry Genetics and Women's Health and Genetics/Laboratory Corporation of America, LabCorp); PubMed 28564725 (cited by Ambry Genetics); PubMed 29063292 (cited by Ambry Genetics); PubMed 29473088 (cited by Ambry Genetics and Women's Health and Genetics/Laboratory Corporation of America, LabCorp); PubMed 30097039 (cited by Ambry Genetics); PubMed 30275481 (cited by 3 submitters); PubMed 30723317 (cited by Ambry Genetics); PubMed 31408533 (cited by Ambry Genetics and Women's Health and Genetics/Laboratory Corporation of America, LabCorp); PubMed 32248359 (cited by Ambry Genetics and AiLife Diagnostics); PubMed 35220961 (cited by 4 submitters); PubMed 34400371 (cited by Mayo Clinic Laboratories, Mayo Clinic); PubMed 39267050 (cited by Mayo Clinic Laboratories, Mayo Clinic); PubMed 12754702 (cited by New York Genome Center); PubMed 20437613 (cited by Women's Health and Genetics/Laboratory Corporation of America, LabCorp); PubMed 22898812 (cited by Women's Health and Genetics/Laboratory Corporation of America, LabCorp); PubMed 31426520 (cited by Molecular Genetics, Royal Melbourne Hospital); PubMed 33972609 (cited by Molecular Genetics, Royal Melbourne Hospital); PubMed 31589614 (cited by AiLife Diagnostics); PubMed 34426522 (cited by AiLife Diagnostics).